The following is an entry in ClinVar:

NM_000135.4(FANCA):c.1225+2T>G

Gene: FANCA (FA complementation group A; minus strand). Cytogenetic location: 16q24.3.
Variant type: single nucleotide variant.
Coding change: c.1225+2T>G on transcript NM_000135.4 (MANE Select); the canonical splice donor site of the intron after coding-DNA position 1225, T replaced by G.
Molecular consequence: splice donor variant.
Genome position (GRCh38, 1-based): chr16:89,791,925, A>C on the plus strand (T>G on the coding strand, the complement: FANCA is on the minus strand). VCF-style: chr16-89791925-A-C. GRCh37 (hg19) VCF-style: chr16-89858333-A-C.
Other names: c.1225+2T>G (NM_001286167.3).
Identifiers: ClinVar variation 2815862 (VCV002815862.3), dbSNP rs746514288, ClinGen allele CA397465873.
Genomic context (GRCh38, chr16:89,791,925, plus strand): 5'-TCTGCTGACACCCCCCTACACACACTCTTGACCAGCACCACCGGGCTCGCGTAAAAGCTC[A>C]CCTTCAAGCAGCTGCTGCGCTTCTGGAAAGCAGACAACCAGGGCAGACACAAAGGAGAGC-3'

ClinVar aggregate classification (germline): Likely pathogenic (1 of 4 stars; one submission).

Conditions:
Fanconi anemia (FA). Also called: Fanconi's anemia. Identifiers: Orphanet 84, MedGen C0015625, MeSH D005199, MONDO:0019391.

gnomAD v4.1: 2 of 1,614,096 alleles (0.00012%); highest among the groups gnomAD compares: Non-Finnish European, 0.00017%; no homozygotes.

Submission:

Labcorp Genetics (formerly Invitae), Labcorp
Classification: Likely pathogenic for Fanconi anemia. Last evaluated: 2022-11-23. Review status: criteria provided, single submitter. Criteria: Invitae Variant Classification Sherloc (09022015). Collection method: clinical testing. Allele origin: germline.
Comment: In summary, the currently available evidence indicates that the variant is pathogenic, but additional data are needed to prove that conclusively. Therefore, this variant has been classified as Likely Pathogenic. Algorithms developed to predict the effect of sequence changes on RNA splicing suggest that this variant may disrupt the consensus splice site. This variant has not been reported in the literature in individuals affected with FANCA-related conditions. This variant is not present in population databases (gnomAD no frequency). This sequence change affects a donor splice site in intron 13 of the FANCA gene. It is expected to disrupt RNA splicing. Variants that disrupt the donor or acceptor splice site typically lead to a loss of protein function (PMID: 16199547), and loss-of-function variants in FANCA are known to be pathogenic (PMID: 19367192).

Literature cited by the submitters: PubMed 16199547; PubMed 19367192.